The following is an entry in ClinVar:

NM_024824.5(ZC3H14):c.189C>T (p.Thr63=)

Gene: ZC3H14 (zinc finger CCCH-type containing 14; plus strand). Cytogenetic location: 14q31.3.
Variant type: single nucleotide variant.
Coding change: c.189C>T on transcript NM_024824.5 (MANE Select); coding-DNA position 189, C replaced by T.
Protein change: p.Thr63=; no amino-acid change (threonine 63 retained).
Molecular consequence: synonymous variant. On other transcripts: non-coding transcript variant (1), intron variant (8).
Genome position (GRCh38, 1-based): chr14:88,568,148, C>T. VCF-style: chr14-88568148-C-T. GRCh37 (hg19) VCF-style: chr14-89034492-C-T.
Other names: c.189C>T, p.Thr63= (NM_001160103.2, NM_001160104.2, NM_001326295.2 and 9 more transcripts); c.87C>T, p.Thr29= (NM_001326297.2, NM_001326301.2, NM_001326303.2 and 3 more transcripts); c.-271-2936C>T (NM_001326300.2, NM_001326302.2, NM_001326308.2 and 5 more transcripts).
Identifiers: ClinVar variation 733382 (VCV000733382.24), dbSNP rs140187818, ClinGen allele CA7300128.

ClinVar aggregate classification (germline): Likely benign. Review status: criteria provided, multiple submitters, no conflicts (2 of 4 stars). 3 submissions from 3 submitters: Likely benign (3). Last evaluated 2024-08-22.

Allele frequency attached by ClinVar (database versions not stated): gnomAD 0.00016 and 0.00018; gnomAD exomes 0.00021 and 0.00023; TOPMed 0.00022; ESP Exome Variant Server 0.00023; ExAC 0.00025.
gnomAD v4.1: 365 of 1,613,420 alleles (0.023%); highest among the groups gnomAD compares: South Asian, 0.068%; no homozygotes.

Submissions (3):

Blueprint Genetics
Classification: Likely benign. Last evaluated: 2024-08-22. Review status: criteria provided, single submitter. Criteria: ACMG Guidelines, 2015. Collection method: clinical testing. Allele origin: germline.

CeGaT Center for Human Genetics Tuebingen
Classification: Likely benign. Last evaluated: 2024-07-01. Review status: criteria provided, single submitter. Criteria: CeGaT Center For Human Genetics Tuebingen Variant Classification Criteria Version 2. Collection method: clinical testing. Allele origin: germline. Affected: yes. Observed: 2 variant alleles.
Comment: ZC3H14: BP4, BP7

Labcorp Genetics (formerly Invitae), Labcorp
Classification: Likely benign. Last evaluated: 2019-12-31. Review status: criteria provided, single submitter. Criteria: Invitae Variant Classification Sherloc (09022015). Collection method: clinical testing. Allele origin: germline.